The following is an entry in ClinVar:

ClinVar aggregate classification (germline): Likely benign. Review status: criteria provided, multiple submitters, no conflicts (2 of 4 stars). 3 submissions from 3 submitters: Likely benign (2). 1 of the submissions does not count toward it. Last evaluated 2025-03-30.

Conditions:
GALNS-related disorder. Also called: GALNS-related condition.
Mucopolysaccharidosis, MPS-IV-A (MPS4A). Also called: Morquio syndrome A, mild; MORQUIO SYNDROME A; GALACTOSAMINE-6-SULFATASE DEFICIENCY; GALNS DEFICIENCY; MORQUIO A DISEASE; MPS IVA. Identifiers: Orphanet 309297, Orphanet 582, MedGen C0086651, MONDO:0009659, OMIM 253000.

Allele frequency attached by ClinVar (database versions not stated): gnomAD exomes 0.00002 and 0.00004; TOPMed 0.00002; gnomAD 0.00003 and 0.00004; ExAC 0.00009; 1000 Genomes Project 0.00020; 1000 Genomes Project 30x 0.00031.
gnomAD v4.1: 34 of 1,571,338 alleles (0.0022%); highest among the groups gnomAD compares: South Asian, 0.016%; 1 homozygote.

Submissions (3):

Labcorp Genetics (formerly Invitae), Labcorp
Classification: Likely benign for Mucopolysaccharidosis, MPS-IV-A. Last evaluated: 2025-03-30. Review status: criteria provided, single submitter. Criteria: Invitae Variant Classification Sherloc (09022015). Collection method: clinical testing. Allele origin: germline.

Breakthrough Genomics
Classification: Likely benign. Review status: criteria provided, single submitter. Criteria: ACMG Guidelines, 2015. Collection method: not provided. Allele origin: germline. Inheritance: Autosomal recessive inheritance. Affected: yes.

PreventionGenetics, part of Exact Sciences
Classification: Likely benign for GALNS-related condition. Last evaluated: 2021-12-28. Review status: no assertion criteria provided. Collection method: clinical testing. Allele origin: germline. Not counted in ClinVar's aggregate classification.
Comment: This variant is classified as likely benign based on ACMG/AMP sequence variant interpretation guidelines (Richards et al. 2015 PMID: 25741868, with internal and published modifications).

NM_000512.5(GALNS):c.1374C>T (p.Ser458=)

Genes: GALNS (galactosamine (N-acetyl)-6-sulfatase; minus strand), LOC126862447 (CDK7 strongly-dependent group 2 enhancer GRCh37_chr16:88884193-88885392; plus strand). Cytogenetic location: 16q24.3.
Variant type: single nucleotide variant.
Coding change: c.1374C>T on transcript NM_000512.5 (MANE Select); coding-DNA position 1374, C replaced by T.
Protein change: p.Ser458=; no amino-acid change (serine 458 retained).
Molecular consequence: synonymous variant.
Genome position (GRCh38, 1-based): chr16:88,818,115, G>A on the plus strand (C>T on the coding strand, the complement: GALNS is on the minus strand). VCF-style: chr16-88818115-G-A. GRCh37 (hg19) VCF-style: chr16-88884523-G-A.
Other names: c.819C>T, p.Ser273= (NM_001323543.2); c.1392C>T, p.Ser464= (NM_001323544.2).
Identifiers: ClinVar variation 734171 (VCV000734171.10), dbSNP rs534204869, ClinGen allele CA8234681.